The following is an entry in ClinVar:

ClinVar aggregate classification (germline): not provided (0 of 4 stars; one submission).

Conditions:
Familial Mediterranean fever (FMF). Also called: POLYSEROSITIS, FAMILIAL PAROXYSMAL; POLYSEROSITIS, RECURRENT; Periodic peritonitis; Benign paroxysmal peritonitis. Identifiers: Orphanet 342, MedGen C0031069, MONDO:0018088, OMIM 249100. Disease mechanism: gain of function.

Submission:

Medical Genetics of Dicle University
No classification provided. Condition: Familial Mediterranean fever. Review status: no classification provided. Collection method: not provided. Allele origin: somatic.
Comment: FMF with criteria.

NM_000243.3(MEFV):c.2053G>A (p.Glu685Lys)

Genes: MEFV (MEFV innate immunity regulator, pyrin; minus strand), LOC126862264 (CDK7 strongly-dependent group 2 enhancer GRCh37_chr16:3293322-3294521; plus strand). Cytogenetic location: 16p13.3.
Variant type: single nucleotide variant.
Coding change: c.2053G>A on transcript NM_000243.3 (MANE Select); coding-DNA position 2053, G replaced by A.
Protein change: p.Glu685Lys; replaces glutamic acid 685 with lysine.
Molecular consequence: missense variant. On other transcripts: 3 prime UTR variant (1).
Genome position (GRCh38, 1-based): chr16:3,243,434, C>T on the plus strand (G>A on the coding strand, the complement: MEFV is on the minus strand). VCF-style: chr16-3243434-C-T. GRCh37 (hg19) VCF-style: chr16-3293434-C-T.
Other names: c.*257G>A (NM_001198536.2); short protein forms E685K.
Identifiers: ClinVar variation 160368 (VCV000160368.1), dbSNP rs587783378, ClinGen allele CA280899.